The following is an entry in ClinVar:

ClinVar aggregate classification (germline): Pathogenic (1 of 4 stars; one submission).

Conditions:
Joubert syndrome 20 (JBTS20). Identifiers: Orphanet 475, MedGen C3554235, MONDO:0013994, OMIM 614970.
Meckel syndrome, type 11 (MKS11). Identifiers: Orphanet 564, MedGen C3809352, MONDO:0014164, OMIM 615397.

Submission:

Labcorp Genetics (formerly Invitae), Labcorp
Classification: Pathogenic for Joubert syndrome 20; Meckel syndrome, type 11. Last evaluated: 2022-03-10. Review status: criteria provided, single submitter. Criteria: Invitae Variant Classification Sherloc (09022015). Collection method: clinical testing. Allele origin: germline.
Comment: This variant is a gross deletion of the genomic region encompassing exon(s) 4-6 of the TMEM231 gene, which includes the termination codon. This deletion extends beyond the assayed region for this gene and therefore may encompass additional genes. While this deletion is not anticipated to lead to nonsense mediated decay, it is expected to alter mRNA translation or result in a truncated protein product. This variant has not been reported in the literature in individuals affected with TMEM231-related conditions. This variant disrupts a region of the TMEM231 protein in which other variant(s) (p.Asp262Asn) have been determined to be pathogenic (PMID: 23012439, 27449316). This suggests that this is a clinically significant region of the protein, and that variants that disrupt it are likely to be disease-causing. For these reasons, this variant has been classified as Pathogenic.

Literature cited by the submitters: PubMed 23012439; PubMed 27449316.

NC_000016.9:g.(?_75512539)_(75576601_?)del

Genes: CHST6 (carbohydrate sulfotransferase 6; minus strand), TMEM231 (transmembrane protein 231; minus strand), CHST5 (carbohydrate sulfotransferase 5; minus strand). Cytogenetic location: 16q23.1.
Variant type: Deletion.
Identifiers: ClinVar variation 2423621 (VCV002423621.3).